The following is an entry in ClinVar:

NM_004519.4(KCNQ3):c.1412G>C (p.Arg471Pro)

Gene: KCNQ3 (potassium voltage-gated channel subfamily Q member 3; minus strand). Cytogenetic location: 8q24.22.
Variant type: single nucleotide variant.
Coding change: c.1412G>C on transcript NM_004519.4 (MANE Select); coding-DNA position 1412, G replaced by C.
Protein change: p.Arg471Pro; replaces arginine 471 with proline.
Molecular consequence: missense variant.
Genome position (GRCh38, 1-based): chr8:132,141,182, C>G on the plus strand (G>C on the coding strand, the complement: KCNQ3 is on the minus strand). VCF-style: chr8-132141182-C-G. GRCh37 (hg19) VCF-style: chr8-133153429-C-G.
Other names: c.1052G>C, p.Arg351Pro (NM_001204824.2); short protein forms R471P, R351P.
Identifiers: ClinVar variation 853692 (VCV000853692.9), dbSNP rs1198584017, ClinGen allele CA372219906.
Genomic context (GRCh38, chr8:132,141,182, plus strand): 5'-GCATTACCTTCAGAACTCTGCCAGAAAGCGTAGGCTTTCATGCGGAAGGCCGTGCGGAAA[C>G]GCTCTTTATTGTTTAAGCCAACAGGCTTTGGTTCTTTAGAAGGACTTTCTTCTATGGCAT-3'
Protein context (NP_004510.1, residues 461-481): PKPVGLNNKE[Arg471Pro]FRTAFRMKAY

ClinVar aggregate classification (germline): Uncertain significance (1 of 4 stars; one submission).

Conditions:
Benign neonatal seizures. Also called: Benign familial neonatal epilepsy; Benign familial neonatal seizures; Benign neonatal familial convulsions; Convulsions benign familial neonatal dominant form; Autosomal dominant form of benign neonatal seizures. Identifiers: Orphanet 1949, MedGen C0220669, MONDO:0016027.

Submission:

Labcorp Genetics (formerly Invitae), Labcorp
Classification: Uncertain significance for Benign neonatal seizures. Last evaluated: 2020-02-24. Review status: criteria provided, single submitter. Criteria: Invitae Variant Classification Sherloc (09022015). Collection method: clinical testing. Allele origin: germline.
Comment: This sequence change replaces arginine with proline at codon 471 of the KCNQ3 protein (p.Arg471Pro). The arginine residue is moderately conserved and there is a moderate physicochemical difference between arginine and proline. This variant is not present in population databases (ExAC no frequency). This variant has not been reported in the literature in individuals with KCNQ3-related conditions. Algorithms developed to predict the effect of missense changes on protein structure and function are either unavailable or do not agree on the potential impact of this missense change (SIFT: "Tolerated"; PolyPhen-2: "Probably Damaging"; Align-GVGD: "Class C0"). In summary, the available evidence is currently insufficient to determine the role of this variant in disease. Therefore, it has been classified as a Variant of Uncertain Significance.